The following is an entry in ClinVar:

ClinVar aggregate classification (germline): Pathogenic (1 of 4 stars; one submission).

Submission:

Labcorp Genetics (formerly Invitae), Labcorp
Classification: Pathogenic. Last evaluated: 2020-05-20. Review status: criteria provided, single submitter. Criteria: Invitae Variant Classification Sherloc (09022015). Collection method: clinical testing. Allele origin: germline.
Comment: For these reasons, this variant has been classified as Pathogenic. Loss-of-function variants in PHEX are known to be pathogenic (PMID: 9097956, 9106524, 19219621). This variant has been observed in a family affected with hypophosphatemic rickets (PMID: 18625346). This variant is not present in population databases (ExAC no frequency). This sequence change creates a premature translational stop signal (p.Lys616Asnfs*3) in the PHEX gene. It is expected to result in an absent or disrupted protein product.

Literature cited by the submitters: PubMed 9097956; PubMed 9106524; PubMed 19219621; PubMed 18625346.

NM_000444.6(PHEX):c.1848del (p.Lys616fs)

Genes: PHEX (phosphate regulating endopeptidase X-linked; plus strand), PTCHD1-AS (PTCHD1 and PHEX antisense RNA; minus strand). Cytogenetic location: Xp22.11.
Variant type: Deletion.
Coding change: c.1848del on transcript NM_000444.6 (MANE Select); coding-DNA position 1848, one base deleted (A; older notation c.1848delA).
Protein change: p.Lys616fs; shifts the reading frame from lysine 616.
Molecular consequence: frameshift variant.
Genome position (GRCh38, 1-based): chrX:22,221,692, A deleted; the last of 4 consecutive A bases (chrX:22,221,689-22,221,692); deleting any one gives the same sequence. VCF-style (leftmost placement, unchanged base first): chrX-22221688-CA-C. GRCh37 (hg19) VCF-style: chrX-22239805-CA-C.
Other names: c.1848del, p.Lys616fs (NM_001282754.2); short protein forms K616fs.
Identifiers: ClinVar variation 936520 (VCV000936520.9), dbSNP rs1935273502, ClinGen allele CA1139667313.
Genomic context (GRCh38, chrX:22,221,688, plus strand): 5'-AAAATGGAAACCTGGATCCTTGGTGGTCTACTGAATCAGAAGAAAAGTTTAAGGAAAAAA[CA>C]AAATGCATGATTAACCAGTATAGCAACTATTATTGGAAGAAAGCTGGCTTAAATGTGAGT-3'